The following is an entry in ClinVar:

NM_001083619.3(GRIA2):c.528T>G (p.Thr176=)

Gene: GRIA2 (glutamate ionotropic receptor AMPA type subunit 2; plus strand). Cytogenetic location: 4q32.1.
Variant type: single nucleotide variant.
Coding change: c.528T>G on transcript NM_001083619.3 (MANE Select); coding-DNA position 528, T replaced by G.
Protein change: p.Thr176=; no amino-acid change (threonine 176 retained).
Molecular consequence: synonymous variant.
Genome position (GRCh38, 1-based): chr4:157,312,737, T>G. VCF-style: chr4-157312737-T-G. GRCh37 (hg19) VCF-style: chr4-158233889-T-G.
Other names: c.528T>G, p.Thr176= (NM_000826.6); c.387T>G, p.Thr129= (NM_001083620.3, NM_001379000.3, NM_001379001.3).
Identifiers: ClinVar variation 4535215 (VCV004535215.6).

ClinVar aggregate classification (germline): Likely benign (1 of 4 stars; one submission).

Submission:

CeGaT Center for Human Genetics Tuebingen
Classification: Likely benign. Last evaluated: 2025-11-01. Review status: criteria provided, single submitter. Criteria: CeGaT Center For Human Genetics Tuebingen Variant Classification Criteria Version 2. Collection method: clinical testing. Allele origin: germline. Affected: yes. Observed: 1 variant allele.
Comment: GRIA2: PM2:Supporting, BP4, BP7